The following is an entry in ClinVar:

ClinVar aggregate classification (germline): Benign. Review status: criteria provided, single submitter (1 of 4 stars). 2 submissions from 2 submitters: Benign (1). 1 of the submissions does not count toward it. Last evaluated 2025-10-21.

Conditions:
BNC2-related disorder. Also called: BNC2-related condition.

Allele frequency attached by ClinVar (database versions not stated): ExAC 0.00035; gnomAD 0.00090; ESP Exome Variant Server 0.00100; TOPMed 0.00112; 1000 Genomes Project 0.00220; 1000 Genomes Project 30x 0.00234.
gnomAD v4.1: 265 of 1,614,200 alleles (0.016%); highest among the groups gnomAD compares: African/African-American, 0.28%; no homozygotes.

Submissions (2):

Labcorp Genetics (formerly Invitae), Labcorp
Classification: Benign. Last evaluated: 2025-10-21. Review status: criteria provided, single submitter. Criteria: Invitae Variant Classification Sherloc (09022015). Collection method: clinical testing. Allele origin: germline.

PreventionGenetics, part of Exact Sciences
Classification: Likely benign for BNC2-related condition. Last evaluated: 2023-01-10. Review status: no assertion criteria provided. Collection method: clinical testing. Allele origin: germline. Not counted in ClinVar's aggregate classification.
Comment: This variant is classified as likely benign based on ACMG/AMP sequence variant interpretation guidelines (Richards et al. 2015 PMID: 25741868, with internal and published modifications).

NM_017637.6(BNC2):c.3017C>T (p.Ala1006Val)

Gene: BNC2 (basonuclin zinc finger protein 2; minus strand). Cytogenetic location: 9p22.3.
Variant type: single nucleotide variant.
Coding change: c.3017C>T on transcript NM_017637.6 (MANE Select); coding-DNA position 3017, C replaced by T.
Protein change: p.Ala1006Val; replaces alanine 1006 with valine.
Molecular consequence: missense variant. On other transcripts: 3 prime UTR variant (1).
Genome position (GRCh38, 1-based): chr9:16,419,272, G>A on the plus strand (C>T on the coding strand, the complement: BNC2 is on the minus strand). VCF-style: chr9-16419272-G-A. GRCh37 (hg19) VCF-style: chr9-16419270-G-A.
Other names: c.*361C>T (NM_001317939.2); c.2732C>T, p.Ala911Val (NM_001317940.2); short protein forms A1006V, A911V.
Identifiers: ClinVar variation 2077000 (VCV002077000.6), dbSNP rs143280183, ClinGen allele CA4995637.